The following is an entry in ClinVar:

NM_182914.3(SYNE2):c.262T>C (p.Phe88Leu)

Gene: SYNE2 (spectrin repeat containing nuclear envelope protein 2; plus strand). Cytogenetic location: 14q23.2.
Variant type: single nucleotide variant.
Coding change: c.262T>C on transcript NM_182914.3 (MANE Select); coding-DNA position 262, T replaced by C.
Protein change: p.Phe88Leu; replaces phenylalanine 88 with leucine.
Molecular consequence: missense variant.
Genome position (GRCh38, 1-based): chr14:63,941,909, T>C. VCF-style: chr14-63941909-T-C. GRCh37 (hg19) VCF-style: chr14-64408627-T-C.
Other names: c.262T>C, p.Phe88Leu (NM_015180.6); short protein forms F88L.
Identifiers: ClinVar variation 1362917 (VCV001362917.8), dbSNP rs978806035, ClinGen allele CA261795183.

ClinVar aggregate classification (germline): Uncertain significance (1 of 4 stars; one submission).

Conditions:
Emery-Dreifuss muscular dystrophy 5, autosomal dominant (EDMD5). Also called: EMERY-DREIFUSS MUSCULAR DYSTROPHY 5. Identifiers: Orphanet 261, MedGen C2751805, MONDO:0013072, OMIM 612999.

Allele frequency attached by ClinVar (database versions not stated): gnomAD 0.00001.
gnomAD v4.1: 1 of 1,613,238 alleles (0.000062%); highest among the groups gnomAD compares: African/African-American, 0.0013%; no homozygotes.

Submission:

Labcorp Genetics (formerly Invitae), Labcorp
Classification: Uncertain significance for Emery-Dreifuss muscular dystrophy 5, autosomal dominant. Last evaluated: 2021-06-21. Review status: criteria provided, single submitter. Criteria: Invitae Variant Classification Sherloc (09022015). Collection method: clinical testing. Allele origin: germline.
Comment: This variant is not present in population databases (ExAC no frequency). This sequence change replaces phenylalanine with leucine at codon 88 of the SYNE2 protein (p.Phe88Leu). The phenylalanine residue is weakly conserved and there is a small physicochemical difference between phenylalanine and leucine. This variant has not been reported in the literature in individuals with SYNE2-related conditions. In summary, the available evidence is currently insufficient to determine the role of this variant in disease. Therefore, it has been classified as a Variant of Uncertain Significance. Algorithms developed to predict the effect of missense changes on protein structure and function are either unavailable or do not agree on the potential impact of this missense change (SIFT: "Tolerated"; PolyPhen-2: "Possibly Damaging"; Align-GVGD: "Class C0").